The following is an entry in ClinVar:

NM_001039141.3(TRIOBP):c.2749G>C (p.Asp917His)

Gene: TRIOBP (TRIO and F-actin binding protein; plus strand). Cytogenetic location: 22q13.1.
Variant type: single nucleotide variant.
Coding change: c.2749G>C on transcript NM_001039141.3 (MANE Select); coding-DNA position 2749, G replaced by C.
Protein change: p.Asp917His; replaces aspartic acid 917 with histidine.
Molecular consequence: missense variant.
Genome position (GRCh38, 1-based): chr22:37,725,305, G>C. VCF-style: chr22-37725305-G-C. GRCh37 (hg19) VCF-style: chr22-38121312-G-C.
Other names: short protein forms D917H.
Identifiers: ClinVar variation 3234637 (VCV003234637.20), dbSNP rs372851349, ClinGen allele CA10223957.

ClinVar aggregate classification (germline): Uncertain significance (1 of 4 stars; one submission).

Allele frequency attached by ClinVar (database versions not stated): gnomAD exomes below 0.00001; TOPMed below 0.00001; ExAC 0.00001; gnomAD 0.00001; ESP Exome Variant Server 0.00008.
gnomAD v4.1: 3 of 1,613,756 alleles (0.00019%); highest among the groups gnomAD compares: Non-Finnish European, 0.00025%; no homozygotes.

Submission:

CeGaT Center for Human Genetics Tuebingen
Classification: Uncertain significance. Last evaluated: 2024-04-01. Review status: criteria provided, single submitter. Criteria: CeGaT Center For Human Genetics Tuebingen Variant Classification Criteria Version 2. Collection method: clinical testing. Allele origin: germline. Affected: yes. Observed: 1 variant allele.
Comment: TRIOBP: PM2, BP4